The following is an entry in ClinVar:

ClinVar aggregate classification (germline): Conflicting classifications of pathogenicity. Review status: criteria provided, conflicting classifications (1 of 4 stars). 7 submissions from 7 submitters: Likely pathogenic (1); Benign (6). Last evaluated 2026-01-27.

Conditions:
Meniere disease. Also called: Ménière's disease. Identifiers: MedGen C0025281, MONDO:0007972, OMIM 156000.

Allele frequency attached by ClinVar (database versions not stated): ExAC 0.00708; gnomAD exomes 0.00824; 1000 Genomes Project 0.03854; gnomAD 0.03926 and 0.04257; 1000 Genomes Project 30x 0.04076; TOPMed 0.04500.
gnomAD v4.1: 11,743 of 1,550,440 alleles (0.76%); highest among the groups gnomAD compares: African/African-American, 14%; 736 homozygotes.

Submissions (7):

Labcorp Genetics (formerly Invitae), Labcorp
Classification: Benign. Last evaluated: 2026-01-27. Review status: criteria provided, single submitter. Criteria: Invitae Variant Classification Sherloc (09022015). Collection method: clinical testing. Allele origin: germline.

Meniere Disease Neuroscience Research Program, Faculty of Medicine and Health, Kolling Institute, The University of Sydney
Classification: Likely pathogenic for Meniere disease. Last evaluated: 2025-02-03. Review status: criteria provided, single submitter. Criteria: ACMG Guidelines, 2015. Collection method: research. Allele origin: germline. Affected: yes. Observed: 1 variant allele.
Comment: This variant has an amino acid change at p.P1117L (p.P1129L). In silico analysis using pathogenicity prediction algorithms such as the CADD score (24.1), pLI score (-0.63), PolyPhen2 score (1.000), as well as ACMG guidelines for variant interpretation (PS4, PM2, PM5 PP3, PP2, BP1), have deemed the variant as "Likely Pathogenic". In silico Protein stability predictions such as DynaMut2 (-0.7kcal/mol) and MuPro (0.12kcal/mol) have shown divergent results. DynaMut2 also predicted a strong destabilization for the protein with the three variants together (-1.9kcal/mol), mimicking the proband's protein. However, experimental evidence is lacking. For the reasons above we have classified this variant as "Likely Pathogenic".

Mayo Clinic Laboratories, Mayo Clinic
Classification: Benign. Last evaluated: 2022-04-17. Review status: criteria provided, single submitter. Criteria: ACMG Guidelines, 2015. Collection method: clinical testing. Allele origin: germline. Observed: 5 variant alleles.

Athena Diagnostics
Classification: Benign. Last evaluated: 2018-05-23. Review status: criteria provided, single submitter. Criteria: Athena Diagnostics Criteria. Collection method: clinical testing. Allele origin: germline.

GeneDx
Classification: Benign. Last evaluated: 2017-10-05. Review status: criteria provided, single submitter. Criteria: GeneDx Variant Classification (06012015). Collection method: clinical testing. Allele origin: germline. Affected: yes.
Comment: This variant is considered likely benign or benign based on one or more of the following criteria: it is a conservative change, it occurs at a poorly conserved position in the protein, it is predicted to be benign by multiple in silico algorithms, and/or has population frequency not consistent with disease.

Laboratory for Molecular Medicine, Mass General Brigham Personalized Medicine
Classification: Benign. Last evaluated: 2014-11-24. Review status: criteria provided, single submitter. Criteria: LMM Criteria. Collection method: clinical testing. Allele origin: germline. Observed: 19 variant alleles.
Comment: Pro1129Leu in exon 27 of OTOG: This variant is not expected to have clinical sig nificance because it has been identified in 15.5% (30/194) of Luhya (Kenyan) chr omosomes from a broad population by the 1000 Genomes Project (m.; dbSNP rs7936354).

Breakthrough Genomics
Classification: Benign. Review status: criteria provided, single submitter. Criteria: ACMG Guidelines, 2015. Collection method: not provided. Allele origin: germline. Inheritance: Autosomal recessive inheritance. Affected: yes.

NM_001292063.2(OTOG):c.3350C>T (p.Pro1117Leu)

Gene: OTOG (otogelin; plus strand). Cytogenetic location: 11p15.1.
Variant type: single nucleotide variant.
Coding change: c.3350C>T on transcript NM_001292063.2 (MANE Select); coding-DNA position 3350, C replaced by T.
Protein change: p.Pro1117Leu; replaces proline 1117 with leucine.
Molecular consequence: missense variant.
Genome position (GRCh38, 1-based): chr11:17,594,108, C>T. VCF-style: chr11-17594108-C-T. GRCh37 (hg19) VCF-style: chr11-17615655-C-T.
Other names: c.3386C>T, p.Pro1129Leu (NM_001277269.2); short protein forms P1129L, P1117L.
Identifiers: ClinVar variation 226884 (VCV000226884.20), dbSNP rs7936354, ClinGen allele CA5905725.